The following is an entry in ClinVar:

NM_001854.4(COL11A1):c.442C>G (p.Pro148Ala)

Gene: COL11A1 (collagen type XI alpha 1 chain; minus strand). Cytogenetic location: 1p21.1.
Variant type: single nucleotide variant.
Coding change: c.442C>G on transcript NM_001854.4 (MANE Select); coding-DNA position 442, C replaced by G.
Protein change: p.Pro148Ala; replaces proline 148 with alanine.
Molecular consequence: missense variant. On other transcripts: non-coding transcript variant (1).
Genome position (GRCh38, 1-based): chr1:103,078,704, G>C on the plus strand (C>G on the coding strand, the complement: COL11A1 is on the minus strand). VCF-style: chr1-103078704-G-C. GRCh37 (hg19) VCF-style: chr1-103544260-G-C.
Other names: c.442C>G, p.Pro148Ala (NM_001190709.2, NM_080629.3, NM_080630.4); c.442C>G (NM_001854.3); short protein forms P148A.
Identifiers: ClinVar variation 1467285 (VCV001467285.10), dbSNP rs1322123798, ClinGen allele CA341167727.
Genomic context (GRCh38, chr1:103,078,704, plus strand): 5'-ATTTTGTTACTTACTTCCCGTCAGCGATGTTAACAGTTCTGAAGAGGGGATAGTCTTCTG[G>C]GGCAGGTTTTCCAGTGTGGTCTTCAAACAGAAAAACAGGTGATCTCCCAACCTCAACACC-3'
Protein context (NP_001845.3, residues 138-158): LFEDHTGKPA[Pro148Ala]EDYPLFRTVN

ClinVar aggregate classification (germline): Uncertain significance. Review status: criteria provided, multiple submitters, no conflicts (2 of 4 stars). 2 submissions from 2 submitters: Uncertain significance (2). Last evaluated 2025-12-29.

Allele frequency attached by ClinVar (database versions not stated): TOPMed below 0.00001; gnomAD 0.00001.
gnomAD v4.1: 5 of 1,613,204 alleles (0.00031%); highest among the groups gnomAD compares: Non-Finnish European, 0.00042%; no homozygotes.

Submissions (2):

GeneDx
Classification: Uncertain significance. Last evaluated: 2025-12-29. Review status: criteria provided, single submitter. Criteria: GeneDx Variant Classification Process June 2021. Collection method: clinical testing. Allele origin: germline.
Comment: Identified in a patient with achromatopsia in a cohort of patients with inherited retinal detachment or optic neuropathy; this patient also harbored additional variants in the COL18A1 gene (PMID: 37734845); In silico analysis supports that this missense variant has a deleterious effect on protein structure/function; Not observed at significant frequency in large population cohorts (gnomAD); Not located in the triple helical region, where the majority of pathogenic missense variants occur (HGMD; PMID: 25240749); This variant is associated with the following publications: (PMID: 25240749, 37734845)

Labcorp Genetics (formerly Invitae), Labcorp
Classification: Uncertain significance. Last evaluated: 2025-06-14. Review status: criteria provided, single submitter. Criteria: Invitae Variant Classification Sherloc (09022015). Collection method: clinical testing. Allele origin: germline.
Comment: This sequence change replaces proline, which is neutral and non-polar, with alanine, which is neutral and non-polar, at codon 148 of the COL11A1 protein (p.Pro148Ala). This variant is not present in population databases (gnomAD no frequency). This missense change has been observed in individual(s) with inherited optic neuropathy or inherited retinal degeneration (PMID: 37734845). ClinVar contains an entry for this variant (Variation ID: 1467285). Invitae Evidence Modeling of protein sequence and biophysical properties (such as structural, functional, and spatial information, amino acid conservation, physicochemical variation, residue mobility, and thermodynamic stability) indicates that this missense variant is not expected to disrupt COL11A1 protein function with a negative predictive value of 95%. In summary, the available evidence is currently insufficient to determine the role of this variant in disease. Therefore, it has been classified as a Variant of Uncertain Significance.

Literature cited by the submitters: PubMed 37734845 (cited by Labcorp Genetics (formerly Invitae), Labcorp).